The following is an entry in ClinVar:

ClinVar aggregate classification (germline): Uncertain significance (1 of 4 stars; one submission).

gnomAD v4.1: 1 of 1,613,766 alleles (0.000062%); highest among the groups gnomAD compares: Non-Finnish European, 0.000085%; no homozygotes.

Submission:

GeneDx
Classification: Uncertain significance. Last evaluated: 2024-05-17. Review status: criteria provided, single submitter. Criteria: GeneDx Variant Classification Process June 2021. Collection method: clinical testing. Allele origin: germline. Affected: yes.
Comment: Not observed at significant frequency in large population cohorts (gnomAD); In silico analysis indicates that this missense variant does not alter protein structure/function; Has not been previously published as pathogenic or benign to our knowledge

NM_012082.4(ZFPM2):c.1484G>T (p.Gly495Val)

Genes: ZFPM2-AS1 (ZFPM2 antisense RNA 1; minus strand), ZFPM2 (zinc finger protein, FOG family member 2; plus strand). Cytogenetic location: 8q23.1.
Variant type: single nucleotide variant.
Coding change: c.1484G>T on transcript NM_012082.4 (MANE Select); coding-DNA position 1484, G replaced by T.
Protein change: p.Gly495Val; replaces glycine 495 with valine.
Molecular consequence: missense variant.
Genome position (GRCh38, 1-based): chr8:105,801,566, G>T. VCF-style: chr8-105801566-G-T. GRCh37 (hg19) VCF-style: chr8-106813794-G-T.
Other names: c.1325G>T, p.Gly442Val (NM_001362836.2); c.1088G>T, p.Gly363Val (NM_001362837.2); short protein forms G363V, G442V, G495V.
Identifiers: ClinVar variation 3377991 (VCV003377991.1).
Genomic context (GRCh38, chr8:105,801,566, plus strand): 5'-CTAGCCCAAGACTTGCCTCATCTCCAGTTCAGCCTAATATTGGGCCTTCTTTCCCTGTGG[G>T]CCCTTTCCTATCTCAGTTTTCTTTCCCCCAAGATATCACCATGGTCCCTCAAGCTTCAGA-3'
Protein context (NP_036214.2, residues 485-505): QPNIGPSFPV[Gly495Val]PFLSQFSFPQ